The following is an entry in ClinVar:

ClinVar aggregate classification (germline): Uncertain significance. Review status: criteria provided, single submitter (1 of 4 stars). 2 submissions from 2 submitters: Uncertain significance (1). 1 of the submissions does not count toward it. Last evaluated 2021-08-26.

Conditions:
Spastic paraplegia. Identifiers: MedGen C0037772, HP:0001258.
Charlevoix-Saguenay spastic ataxia (SACS). Also called: Spastic ataxia of Charlevoix-Saguenay; SPASTIC ATAXIA 6, AUTOSOMAL RECESSIVE; AUTOSOMAL RECESSIVE SPASTIC ATAXIA OF CHARLEVOIX-SAGUENAY. Identifiers: Orphanet 98, MedGen C1849140, MONDO:0010041, OMIM 270550.

Allele frequency attached by ClinVar (database versions not stated): gnomAD 0.00001; TOPMed 0.00001.
gnomAD v4.1: 11 of 1,613,898 alleles (0.00068%); highest among the groups gnomAD compares: Middle Eastern, 0.049%; no homozygotes.

Submissions (2):

Labcorp Genetics (formerly Invitae), Labcorp
Classification: Uncertain significance for Spastic paraplegia. Last evaluated: 2021-08-26. Review status: criteria provided, single submitter. Criteria: Invitae Variant Classification Sherloc (09022015). Collection method: clinical testing. Allele origin: germline.
Comment: This sequence change replaces valine with glycine at codon 3895 of the SACS protein (p.Val3895Gly). The valine residue is moderately conserved and there is a moderate physicochemical difference between valine and glycine. This variant is present in population databases (rs766487632, ExAC 0.002%). This variant has not been reported in the literature in individuals affected with SACS-related conditions. Algorithms developed to predict the effect of missense changes on protein structure and function are either unavailable or do not agree on the potential impact of this missense change (SIFT: "Deleterious"; PolyPhen-2: "Probably Damaging"; Align-GVGD: "Class C0"). In summary, the available evidence is currently insufficient to determine the role of this variant in disease. Therefore, it has been classified as a Variant of Uncertain Significance.

Natera, Inc.
Classification: Uncertain significance for Charlevoix-Saguenay type spastic ataxia. Last evaluated: 2020-08-04. Review status: no assertion criteria provided. Collection method: clinical testing. Allele origin: germline. Not counted in ClinVar's aggregate classification.

NM_014363.6(SACS):c.11684T>G (p.Val3895Gly)

Gene: SACS (sacsin molecular chaperone; minus strand). Cytogenetic location: 13q12.12.
Variant type: single nucleotide variant.
Coding change: c.11684T>G on transcript NM_014363.6 (MANE Select); coding-DNA position 11684, T replaced by G.
Protein change: p.Val3895Gly; replaces valine 3895 with glycine.
Molecular consequence: missense variant.
Genome position (GRCh38, 1-based): chr13:23,332,192, A>C on the plus strand (T>G on the coding strand, the complement: SACS is on the minus strand). VCF-style: chr13-23332192-A-C. GRCh37 (hg19) VCF-style: chr13-23906331-A-C.
Other names: c.11243T>G, p.Val3748Gly (NM_001278055.2); short protein forms V3748G, V3895G.
Identifiers: ClinVar variation 1006885 (VCV001006885.3), dbSNP rs766487632, ClinGen allele CA6910241.
Genomic context (GRCh38, chr13:23,332,192, plus strand): 5'-CTACCATCCTGGCTTGGGAGGTAAAGCGCAAGGTCTCGTACATTCTCGAGATCACTCCTC[A>C]CCTTGACTGAATCATTCTGTAGACTCCTGAACAGACCAGAAACTACTCTCTTAACTGTAC-3'
Protein context (NP_055178.3, residues 3885-3905): FRSLQNDSVK[Val3895Gly]RSDLENVRDL